The following is an entry in ClinVar:

NM_001079872.2(CUL4B):c.1974G>A (p.Glu658=)

Gene: CUL4B (cullin 4B; minus strand). Cytogenetic location: Xq24.
Variant type: single nucleotide variant.
Coding change: c.1974G>A on transcript NM_001079872.2 (MANE Select); coding-DNA position 1974, G replaced by A.
Protein change: p.Glu658=; no amino-acid change (glutamic acid 658 retained).
Molecular consequence: synonymous variant.
Genome position (GRCh38, 1-based): chrX:120,536,999, C>T on the plus strand (G>A on the coding strand, the complement: CUL4B is on the minus strand). VCF-style: chrX-120536999-C-T. GRCh37 (hg19) VCF-style: chrX-119670854-C-T.
Other names: c.1989G>A, p.Glu663= (NM_001330624.2); c.1440G>A, p.Glu480= (NM_001369145.1); c.2028G>A, p.Glu676= (NM_003588.4).
Identifiers: ClinVar variation 4980775 (VCV004980775.1).
Genomic context (GRCh38, chrX:120,536,999, plus strand): 5'-ATGAACTTCCATAGGCACATATGTCGGCCAATAGCCCATTGTCAGGATATTCACAGTTAA[C>T]TCAATATTTCCCGGAACATTCTGATTCTGCATATACTATAAGAAGATCAAAACACACACT-3'
Protein context (NP_001073341.1, residues 648-668): MQNQNVPGNI[Glu658=]LTVNILTMGY

ClinVar aggregate classification (germline): Likely benign (1 of 4 stars; one submission).

Conditions:
CUL4B-related disorder. Also called: CUL4B-related condition.

gnomAD v4.1: 2 of 1,205,094 alleles (0.00017%); highest among the groups gnomAD compares: Non-Finnish European, 0.00022%; no homozygotes.

Submission:

PreventionGenetics, part of Exact Sciences
Classification: Likely benign for CUL4B-related condition. Last evaluated: 2026-03-31. Review status: criteria provided, single submitter. Criteria: ACMG Guidelines, 2015. Collection method: clinical testing. Allele origin: germline.
Comment: This variant is classified as likely benign based on ACMG/AMP sequence variant interpretation guidelines (Richards et al. 2015 PMID: 25741868, with internal and published modifications).